The following is an entry in ClinVar:

ClinVar aggregate classification (germline): Likely pathogenic (1 of 4 stars; one submission).

Conditions:
Metaphyseal chondrodysplasia, McKusick type (CHH). Also called: Cartilage-hair hypoplasia; Cartilage-Hair Hypoplasia (CHH). Identifiers: Orphanet 175, MedGen C0220748, MONDO:0009595, OMIM 250250.

Submission:

Women's Health and Genetics/Laboratory Corporation of America, LabCorp
Classification: Likely pathogenic for Metaphyseal chondrodysplasia, McKusick type. Last evaluated: 2025-05-13. Review status: criteria provided, single submitter. Criteria: LabCorp Variant Classification Summary - May 2015. Collection method: clinical testing. Allele origin: germline.
Comment: Variant summary: RMRP n.-6_-5ins19 (also known as NC_000009.11: chr9:g.35658020_35658021ins19) is located in the promoter region of the RMRP gene which is located between the TATA box (at position -33 to -25) and the transcription initiation site (at +1). Other insertions or duplications in the promoter region of RMRP have been classified as pathogenic (internally and in ClinVar). The variant was absent in 687248 control chromosomes. To our knowledge, no occurrence of n.-6_-5ins19 in individuals affected with Cartilage-Hair Hypoplasia and no experimental evidence demonstrating its impact on protein function have been reported. Many other insertions or duplications in the promoter region of RMRP have been reported in affected individuals in the literature (PMIDs: 21956908, 21396580) and have been demonstrated through functional studies to lead to reduced RMRP transcription (PMIDs: 11207361, 16254002). ClinVar contains an entry for this variant (Variation ID: 1068141). Based on the evidence outlined above, the variant was classified as likely pathogenic.

NC_000009.12:g.35658023_35658024insTCAGCTTCACAGAGTCGTT

Gene: RMRP (RNA component of mitochondrial RNA processing endoribonuclease; minus strand). Cytogenetic location: 9p13.3.
Variant type: Insertion.
Genome position: GRCh38 VCF-style: chr9-35658023-C-CTCAGCTTCACAGAGTCGTT. GRCh37 (hg19) VCF-style: chr9-35658020-C-CTCAGCTTCACAGAGTCGTT.
Identifiers: ClinVar variation 3902248 (VCV003902248.1).
Genomic context (GRCh38, chr9:35,658,023, plus strand): 5'-GGGGAGGAACAGAGTCCTCAGTGTGTAGCCTAGGATACAGGCCTTCAGCACGAACCACGT[C>CTCAGCTTCACAGAGTCGTT]CTCAGCTTCACAGAGTAGTATTTTATAGCCCTAAAGAAATTGTGTTTTATGATTAGGGTG-3'